The following is an entry in ClinVar:

ClinVar aggregate classification (germline): Uncertain significance (1 of 4 stars; one submission).

Submission:

GeneDx
Classification: Uncertain significance. Last evaluated: 2021-05-05. Review status: criteria provided, single submitter. Criteria: GeneDx Variant Classification Process June 2021. Collection method: clinical testing. Allele origin: germline. Affected: yes.
Comment: Not observed in large population cohorts (Lek et al., 2016); In silico analysis supports that this missense variant does not alter protein structure/function; Has not been previously published as pathogenic or benign to our knowledge

NM_003718.5(CDK13):c.146T>C (p.Leu49Pro)

Gene: CDK13 (cyclin dependent kinase 13; plus strand). Cytogenetic location: 7p14.1.
Variant type: single nucleotide variant.
Coding change: c.146T>C on transcript NM_003718.5 (MANE Select); coding-DNA position 146, T replaced by C.
Protein change: p.Leu49Pro; replaces leucine 49 with proline.
Molecular consequence: missense variant.
Genome position (GRCh38, 1-based): chr7:39,950,787, T>C. VCF-style: chr7-39950787-T-C. GRCh37 (hg19) VCF-style: chr7-39990386-T-C.
Other names: c.146T>C, p.Leu49Pro (NM_031267.4); short protein forms L49P.
Identifiers: ClinVar variation 1320640 (VCV001320640.2), dbSNP rs1378858299, ClinGen allele CA367308718.